The following is an entry in ClinVar:

ClinVar aggregate classification (germline): Conflicting classifications of pathogenicity. Review status: criteria provided, conflicting classifications (1 of 4 stars). 3 submissions from 3 submitters: Uncertain significance (1); Likely benign (2). Last evaluated 2024-11-18.

Conditions:
Hereditary cancer-predisposing syndrome. Also called: Hereditary Cancer Syndrome; Hereditary neoplastic syndrome; Neoplastic Syndromes, Hereditary; Tumor predisposition. Identifiers: Orphanet 140162, MedGen C0027672, MeSH D009386, MONDO:0015356.
Hereditary breast ovarian cancer syndrome. Also called: BRCA1- and BRCA2-Associated Hereditary Breast and Ovarian Cancer; Hereditary breast and ovarian cancer syndrome (HBOC); Hereditary breast and ovarian cancer; Hereditary breast and ovarian cancer syndrome; Breast and ovarian cancer; Hereditary breast and/or ovarian cancer syndrome. Identifiers: Orphanet 145, MedGen C0677776, MeSH D061325, MONDO:0003582. Disease mechanism: loss of function.

Allele frequency attached by ClinVar (database versions not stated): gnomAD exomes below 0.00001 and 0.00001; ExAC 0.00001; TOPMed 0.00001; ESP Exome Variant Server 0.00008.
gnomAD v4.1: 5 of 1,614,112 alleles (0.00031%); highest among the groups gnomAD compares: Non-Finnish European, 0.00042%; no homozygotes.

Submissions (3):

Labcorp Genetics (formerly Invitae), Labcorp
Classification: Uncertain significance for Hereditary breast ovarian cancer syndrome. Last evaluated: 2024-11-18. Review status: criteria provided, single submitter. Criteria: Invitae Variant Classification Sherloc (09022015). Collection method: clinical testing. Allele origin: germline.
Comment: This sequence change replaces threonine, which is neutral and polar, with alanine, which is neutral and non-polar, at codon 1194 of the BRCA1 protein (p.Thr1194Ala). This variant is present in population databases (rs369982706, gnomAD 0.0009%). This variant has not been reported in the literature in individuals affected with BRCA1-related conditions. ClinVar contains an entry for this variant (Variation ID: 409316). Invitae Evidence Modeling of protein sequence and biophysical properties (such as structural, functional, and spatial information, amino acid conservation, physicochemical variation, residue mobility, and thermodynamic stability) indicates that this missense variant is not expected to disrupt BRCA1 protein function with a negative predictive value of 80%. In summary, the available evidence is currently insufficient to determine the role of this variant in disease. Therefore, it has been classified as a Variant of Uncertain Significance.

University of Washington Department of Laboratory Medicine, University of Washington
Classification: Likely benign for Hereditary cancer-predisposing syndrome. Last evaluated: 2023-03-23. Review status: criteria provided, single submitter. Criteria: Dines et al. (Genet Med. 2020). Collection method: curation. Allele origin: germline.
Comment: Missense variant in a coldspot region where missense variants are very unlikely to be pathogenic (PMID:31911673).

BRCA1 coldspot (exon 11 using historical exon numbering). Reclassification based on statistical prior probability

Ambry Genetics
Classification: Likely benign for Hereditary cancer-predisposing syndrome. Last evaluated: 2015-12-11. Review status: criteria provided, single submitter. Criteria: Ambry Variant Classification Scheme 2023. Collection method: clinical testing. Allele origin: germline.

NM_007294.4(BRCA1):c.3580A>G (p.Thr1194Ala)

Genes: BRCA1 (BRCA1 DNA repair associated; minus strand), LOC126862571 (BRD4-independent group 4 enhancer GRCh37_chr17:41243136-41244335; plus strand). Cytogenetic location: 17q21.31.
Variant type: single nucleotide variant.
Coding change: c.3580A>G on transcript NM_007294.4 (MANE Select); coding-DNA position 3580, A replaced by G.
Protein change: p.Thr1194Ala; replaces threonine 1194 with alanine.
Molecular consequence: missense variant. On other transcripts: intron variant (135).
Genome position (GRCh38, 1-based): chr17:43,091,951, T>C on the plus strand (A>G on the coding strand, the complement: BRCA1 is on the minus strand). VCF-style: chr17-43091951-T-C. GRCh37 (hg19) VCF-style: chr17-41243968-T-C.
Other names: c.3367A>G, p.Thr1123Ala (NM_001407571.1, NM_001407853.1, NM_001407894.1 and 9 more transcripts); c.3580A>G, p.Thr1194Ala (NM_001407581.1, NM_001407582.1, NM_001407583.1 and 30 more transcripts); c.3577A>G, p.Thr1193Ala (NM_001407587.1, NM_001407590.1, NM_001407591.1 and 22 more transcripts); c.3571A>G, p.Thr1191Ala (NM_001407646.1, NM_001407647.1); c.3457A>G, p.Thr1153Ala (NM_001407648.1, NM_001407664.1, NM_001407665.1 and 19 more transcripts); c.3454A>G, p.Thr1152Ala (NM_001407649.1, NM_001407670.1, NM_001407671.1 and 11 more transcripts); c.3502A>G, p.Thr1168Ala (NM_001407653.1, NM_001407654.1, NM_001407655.1 and 4 more transcripts); c.3499A>G, p.Thr1167Ala (NM_001407659.1, NM_001407660.1, NM_001407661.1 and 1 more transcripts); and 41 more; short protein forms T1194A, T1147A, T1105A, T1123A, T1126A, T1152A, T1168A, T1026A.
Identifiers: ClinVar variation 409316 (VCV000409316.17), dbSNP rs369982706, ClinGen allele CA059367.